The following is an entry in ClinVar:

ClinVar aggregate classification (germline): Uncertain significance (1 of 4 stars; one submission).

Submission:

Women's Health and Genetics/Laboratory Corporation of America, LabCorp
Classification: Uncertain significance. Last evaluated: 2024-06-26. Review status: criteria provided, single submitter. Criteria: LabCorp Variant Classification Summary - May 2015. Collection method: clinical testing. Allele origin: germline.
Comment: Variant summary: F8 c.6560G>A (p.Gly2187Asp) results in a non-conservative amino acid change located in the coagulation factor 5/8 C-terminal domain (IPR000421) of the encoded protein sequence. Five of five in-silico tools predict a damaging effect of the variant on protein function. The variant was absent in 183332 control chromosomes. c.6560G>A has been reported in the literature in at least three individuals affected with Factor VIII Deficiency (Hemophilia A) (e.g., Santacroce_2008, Rydz_2012, Miller_2013). These data indicate that the variant may be associated with disease. To our knowledge, no experimental evidence demonstrating an impact on protein function has been reported. The following publications have been ascertained in the context of this evaluation (PMID: 22103590, 23913812, 18217193). No submitters have cited clinical-significance assessments for this variant to ClinVar. Based on the evidence outlined above, the variant was classified as VUS-possibly pathogenic.

Literature cited by the submitters: PubMed 18217193; PubMed 22103590; PubMed 23913812.

NM_000132.4(F8):c.6560G>A (p.Gly2187Asp)

Gene: F8 (coagulation factor VIII; minus strand). Cytogenetic location: Xq28.
Variant type: single nucleotide variant.
Coding change: c.6560G>A on transcript NM_000132.4 (MANE Select); coding-DNA position 6560, G replaced by A.
Protein change: p.Gly2187Asp; replaces glycine 2187 with aspartic acid.
Molecular consequence: missense variant.
Genome position (GRCh38, 1-based): chrX:154,863,097, C>T on the plus strand (G>A on the coding strand, the complement: F8 is on the minus strand). VCF-style: chrX-154863097-C-T. GRCh37 (hg19) VCF-style: chrX-154091372-C-T.
Other names: c.155G>A, p.Gly52Asp (NM_019863.3); short protein forms G2187D, G52D.
Identifiers: ClinVar variation 3339707 (VCV003339707.1).